The following is an entry in ClinVar:

NM_001130987.2(DYSF):c.3687del (p.Phe1229fs)

Gene: DYSF (dysferlin; plus strand). Cytogenetic location: 2p13.2.
Variant type: Deletion.
Coding change: c.3687del on transcript NM_001130987.2 (MANE Select); coding-DNA position 3687, one base deleted (T; older notation c.3687delT).
Protein change: p.Phe1229fs; shifts the reading frame from phenylalanine 1229.
Molecular consequence: frameshift variant.
Genome position (GRCh38, 1-based): chr2:71,598,676, T deleted; the last of 3 consecutive T bases (chr2:71,598,674-71,598,676); deleting any one gives the same sequence. VCF-style (leftmost placement, unchanged base first): chr2-71598673-CT-C. GRCh37 (hg19) VCF-style: chr2-71825803-CT-C.
Other names: c.3636del, p.Phe1212fs (NM_001130455.2, NM_001130983.2); c.3591del, p.Phe1197fs (NM_001130976.2, NM_001130977.2); c.3633del, p.Phe1211fs (NM_001130978.2, NM_003494.4); c.3726del, p.Phe1242fs (NM_001130979.2); c.3684del, p.Phe1228fs (NM_001130980.2, NM_001130981.2); c.3729del, p.Phe1243fs (NM_001130982.2); c.3594del, p.Phe1198fs (NM_001130984.2, NM_001130986.2); c.3687del, p.Phe1229fs (NM_001130985.2); and 1 more; short protein forms F1197fs, F1198fs, F1211fs, F1212fs, F1228fs, F1229fs, F1242fs, F1243fs.
Identifiers: ClinVar variation 2503997 (VCV002503997.1), dbSNP rs2546046501, ClinGen allele CA2580611652.

ClinVar aggregate classification (germline): Likely pathogenic (1 of 4 stars; one submission).

Conditions:
Autosomal recessive limb-girdle muscular dystrophy. Identifiers: Orphanet 102015, MedGen C2931907, MONDO:0015152.

Submission:

Women's Health and Genetics/Laboratory Corporation of America, LabCorp
Classification: Likely pathogenic for Autosomal recessive limb-girdle muscular dystrophy. Last evaluated: 2023-04-13. Review status: criteria provided, single submitter. Criteria: LabCorp Variant Classification Summary - May 2015. Collection method: clinical testing. Allele origin: germline.
Comment: Variant summary: DYSF c.3633delT (p.Phe1211LeufsX50) results in a premature termination codon, predicted to cause a truncation of the encoded protein or absence of the protein due to nonsense mediated decay, which are commonly known mechanisms for disease. Truncations downstream of this position have been classified as pathogenic by our laboratory. The variant was absent in 251298 control chromosomes (gnomAD). To our knowledge, no occurrence of c.3633delT in individuals affected with Limb-Girdle Muscular Dystrophy, Autosomal Recessive and no experimental evidence demonstrating its impact on protein function have been reported. No clinical diagnostic laboratories have submitted clinical-significance assessments for this variant to ClinVar after 2014. Based on the evidence outlined above, the variant was classified as likely pathogenic.